The following is an entry in ClinVar:

ClinVar aggregate classification (germline): Benign. Review status: criteria provided, multiple submitters, no conflicts (2 of 4 stars). 2 submissions from 2 submitters: Benign (2). Last evaluated 2016-03-28.

Allele frequency attached by ClinVar (database versions not stated): gnomAD 0.00001; 1000 Genomes Project 0.82049; ExAC 0.87172.

Submissions (2):

Laboratory for Molecular Medicine, Mass General Brigham Personalized Medicine
Classification: Benign. Last evaluated: 2016-03-28. Review status: criteria provided, single submitter. Criteria: LMM Criteria. Collection method: clinical testing. Allele origin: germline.
Comment: Variant identified in a genome or exome case(s) and assessed due to predicted null impact of the variant or pathogenic assertions in the literature or databases. Disclaimer: This variant has not undergone full assessment. The following are preliminary notes: Frequency

Breakthrough Genomics
Classification: Benign. Review status: criteria provided, single submitter. Criteria: ACMG Guidelines, 2015. Collection method: not provided. Allele origin: germline. Inheritance: Unknown mechanism. Affected: yes.

NM_001164465.3(GOLGA6L10):c.1081G>A (p.Glu361Lys)

Gene: GOLGA6L10 (golgin A6 family like 10; minus strand). Cytogenetic location: 15q25.2.
Variant type: single nucleotide variant.
Coding change: c.1081G>A on transcript NM_001164465.3 (MANE Select); coding-DNA position 1081, G replaced by A.
Protein change: p.Glu361Lys; replaces glutamic acid 361 with lysine.
Molecular consequence: missense variant.
Genome position (GRCh38, 1-based): chr15:82,344,779, C>T on the plus strand (G>A on the coding strand, the complement: GOLGA6L10 is on the minus strand). VCF-style: chr15-82344779-C-T. GRCh37 (hg19) VCF-style: chr15-82637079-C-T.
Other names: NM_001164465.2:c.1007G>A; p.Arg336Gln; c.1123G>A, p.Glu375Lys (NM_001322400.1); short protein forms E361K, E375K.
Identifiers: ClinVar variation 402905 (VCV000402905.5), dbSNP rs200685620, ClinGen allele CA7698851.
Genomic context (GRCh38, chr15:82,344,779, plus strand): 5'-GCTGCCACAGCCTCTCATCCTGTTGCCGAAGCCTCTCCTGCTCCAGGAGCTCCTCCACCT[C>T]GTCCAGCAGCCTCTCCCTCTCCAGCAGCCTCTCCTGCTCCTCCTGCCGCCTCTCCTGTTC-3'
Protein context (NP_001157937.2, residues 351-371): RLLERERLLD[Glu361Lys]VEELLEQERL